The following is an entry in ClinVar:

ClinVar aggregate classification (germline): Uncertain significance (1 of 4 stars; one submission).

Submission:

GeneDx
Classification: Uncertain significance. Last evaluated: 2022-06-06. Review status: criteria provided, single submitter. Criteria: GeneDx Variant Classification Process June 2021. Collection method: clinical testing. Allele origin: germline. Affected: yes.
Comment: Not observed at significant frequency in large population cohorts (gnomAD); In silico analysis supports that this missense variant does not alter protein structure/function; Has not been previously published as pathogenic or benign to our knowledge

NM_025137.4(SPG11):c.4529C>T (p.Thr1510Ile)

Gene: SPG11 (SPG11 vesicle trafficking associated, spatacsin; minus strand). Cytogenetic location: 15q21.1.
Variant type: single nucleotide variant.
Coding change: c.4529C>T on transcript NM_025137.4 (MANE Select); coding-DNA position 4529, C replaced by T.
Protein change: p.Thr1510Ile; replaces threonine 1510 with isoleucine.
Molecular consequence: missense variant.
Genome position (GRCh38, 1-based): chr15:44,595,365, G>A on the plus strand (C>T on the coding strand, the complement: SPG11 is on the minus strand). VCF-style: chr15-44595365-G-A. GRCh37 (hg19) VCF-style: chr15-44887563-G-A.
Other names: c.4529C>T, p.Thr1510Ile (NM_001160227.2, NM_001411132.1); short protein forms T1510I.
Identifiers: ClinVar variation 1803311 (VCV001803311.1), dbSNP rs1439216000, ClinGen allele CA392226417.